The following is an entry in ClinVar:

ClinVar aggregate classification (germline): Likely benign. Review status: criteria provided, multiple submitters, no conflicts (2 of 4 stars). 7 submissions from 7 submitters: Likely benign (6). 1 of the submissions does not count toward it. Last evaluated 2026-01-22.

Conditions:
Hereditary cancer-predisposing syndrome. Also called: Tumor predisposition; Hereditary neoplastic syndrome; Hereditary Cancer Syndrome; Neoplastic Syndromes, Hereditary. Identifiers: Orphanet 140162, MedGen C0027672, MeSH D009386, MONDO:0015356.
Hereditary breast ovarian cancer syndrome. Also called: Hereditary breast and/or ovarian cancer syndrome; Breast and ovarian cancer; Hereditary breast and ovarian cancer syndrome; Hereditary breast and ovarian cancer; Hereditary breast and ovarian cancer syndrome (HBOC); BRCA1- and BRCA2-Associated Hereditary Breast and Ovarian Cancer. Identifiers: Orphanet 145, MedGen C0677776, MeSH D061325, MONDO:0003582. Disease mechanism: loss of function.
Breast-ovarian cancer, familial, susceptibility to, 1 (BROVCA1). Also called: BRCA1 Hereditary Breast and Ovarian Cancer; OVARIAN CANCER, SUSCEPTIBILITY TO. Identifiers: Orphanet 145, MedGen C2676676, MONDO:0011450, OMIM 604370. Disease mechanism: loss of function.

Allele frequency attached by ClinVar (database versions not stated): gnomAD 0.00001; gnomAD exomes 0.00002; TOPMed 0.00002.
gnomAD v4.1: 35 of 1,612,494 alleles (0.0022%); highest among the groups gnomAD compares: Non-Finnish European, 0.0028%; no homozygotes.

Submissions (8):

Labcorp Genetics (formerly Invitae), Labcorp
Classification: Likely benign for Hereditary breast ovarian cancer syndrome. Last evaluated: 2026-01-22. Review status: criteria provided, single submitter. Criteria: Invitae Variant Classification Sherloc (09022015). Collection method: clinical testing. Allele origin: germline.

Blueprint Genetics
Classification: Likely benign. Last evaluated: 2024-09-11. Review status: criteria provided, single submitter. Criteria: ACMG Guidelines, 2015. Collection method: clinical testing. Allele origin: germline.

Mendelics
Classification: Likely benign for Breast-ovarian cancer, familial, susceptibility to, 1. Last evaluated: 2019-05-28. Review status: criteria provided, single submitter. Criteria: Mendelics Assertion Criteria 2017. Collection method: clinical testing. Allele origin: unknown.

Women's Health and Genetics/Laboratory Corporation of America, LabCorp
Classification: Likely benign. Last evaluated: 2019-04-27. Review status: criteria provided, single submitter. Criteria: LabCorp Variant Classification Summary - May 2015. Collection method: clinical testing. Allele origin: germline.
Comment: Variant summary: BRCA1 c.5332+15G>C alters a non-conserved nucleotide located close to a canonical splice site and therefore could affect mRNA splicing, leading to a significantly altered protein sequence. 4/4 computational tools predict no significant impact on normal splicing. The variant allele was found at a frequency of 1.6e-05 in 251236 control chromosomes. The available data on variant occurrences in the general population are insufficient to allow any conclusion about variant significance. To our knowledge, no occurrence of c.5332+15G>C in individuals affected with Hereditary Breast and Ovarian Cancer has been reported in the peer-reviewed literature. At least one publication reports experimental evidence evaluating an impact on splicing. These results showed no damaging effect of this variant on splicing that have also been further corroborated by other studies reporting no impact on homology directed repair (primary evidence unavailable). Three clinical diagnostic laboratories have submitted clinical-significance assessments for this variant to ClinVar after 2014 without evidence for independent evaluation. All laboratories classified the variant as likely benign. Based on the evidence outlined above, the variant was classified as likely benign.

GeneDx
Classification: Likely benign. Last evaluated: 2017-09-07. Review status: criteria provided, single submitter. Criteria: GeneDx Variant Classification (06012015). Collection method: clinical testing. Allele origin: germline. Affected: yes.
Comment: This variant is considered likely benign or benign based on one or more of the following criteria: it is a conservative change, it occurs at a poorly conserved position in the protein, it is predicted to be benign by multiple in silico algorithms, and/or has population frequency not consistent with disease.

Color Diagnostics, LLC DBA Color Health
Classification: Likely benign for Hereditary cancer-predisposing syndrome. Last evaluated: 2017-03-09. Review status: criteria provided, single submitter. Criteria: ACMG Guidelines, 2015. Collection method: clinical testing. Allele origin: germline.

Breast Cancer Information Core (BIC) (BRCA1)
Classification: Uncertain significance for Breast-ovarian cancer, familial 1. Last evaluated: 2001-07-17. Review status: no assertion criteria provided. Collection method: clinical testing. Allele origin: germline. Affected: yes. Observed: 1 variant allele. Not counted in ClinVar's aggregate classification.

Brotman Baty Institute, University of Washington
No classification provided (evidence only). Condition: Breast-ovarian cancer, familial 1. Review status: no classification provided. Collection method: in vitro. Allele origin: not applicable. Functional consequence: functionally_normal. Not counted in ClinVar's aggregate classification.
ClinVar note: "not provided" was previously submitted as the classification for the variant. However, the classification appeared to be based only on an observation of functional data so it was converted to no classification on 2025-07-30.

Literature cited by the submitters: PubMed 21735045 (cited by Women's Health and Genetics/Laboratory Corporation of America, LabCorp); PubMed 23893897 (cited by Women's Health and Genetics/Laboratory Corporation of America, LabCorp).

NM_007294.4(BRCA1):c.5332+15G>C

Gene: BRCA1 (BRCA1 DNA repair associated; minus strand). Cytogenetic location: 17q21.31.
Variant type: single nucleotide variant.
Coding change: c.5332+15G>C on transcript NM_007294.4 (MANE Select); 15 bases into the intron after coding-DNA position 5332, G replaced by C.
Molecular consequence: intron variant.
Genome position (GRCh38, 1-based): chr17:43,051,048, C>G on the plus strand (G>C on the coding strand, the complement: BRCA1 is on the minus strand). VCF-style: chr17-43051048-C-G. GRCh37 (hg19) VCF-style: chr17-41203065-C-G.
Other names: IVS21+15G>C; c.5191+15G>C (NM_001407726.1, NM_001407730.1, NM_001407692.1 and 13 more transcripts); c.1492+15G>C (NM_001408513.1); c.1756+15G>C (NM_001408503.1, NM_001408502.1, NM_001408504.1); c.5188+15G>C (NM_001407943.1, NM_001407748.1, NM_001407752.1 and 21 more transcripts); c.1759+15G>C (NM_001408500.1, NM_001408497.1, NM_001408496.1 and 3 more transcripts); c.5068+15G>C (NM_001407921.1, NM_001407926.1, NM_001407924.1 and 4 more transcripts); c.1879+15G>C (NM_001408466.1, NM_001408460.1, NM_001408465.1 and 7 more transcripts); and 75 more.
Identifiers: ClinVar variation 125824 (VCV000125824.21), dbSNP rs80358148, ClinGen allele CA003482.
Genomic context (GRCh38, chr17:43,051,048, plus strand): 5'-GGATCTTGCTTATAATACTCCACTATGTAAGACAAAGGCTGGTGCTGGAACTCTGGGGTT[C>G]TCCCAGGCTCTTACCTGTGGGCATGTTGGTGAAGGGCCCATAGCAACAGATTTCTAGCCC-3'